The following is an entry in ClinVar:

ClinVar aggregate classification (germline): Uncertain significance. Review status: criteria provided, single submitter (1 of 4 stars). 2 submissions from 1 submitter: Uncertain significance (1). 1 of the submissions does not count toward it. Last evaluated 2022-10-08.

Conditions:
Radial aplasia-thrombocytopenia syndrome (TAR). Also called: Thrombocytopenia Absent Radius Syndrome; TAR syndrome. Identifiers: Orphanet 3320, MedGen C0175703, MeSH C536940, MONDO:0010121, OMIM 274000.

Submissions (2):

Labcorp Genetics (formerly Invitae), Labcorp
Classification: Uncertain significance for Radial aplasia-thrombocytopenia syndrome. Last evaluated: 2022-10-08. Review status: criteria provided, single submitter. Criteria: Invitae Variant Classification Sherloc (09022015). Collection method: clinical testing. Allele origin: germline.
Comment: A copy number gain of the genomic region encompassing the full coding sequence of the RBM8A gene has been identified. The boundaries of this event are unknown as they extend beyond the assayed region for this gene and therefore may encompass additional genes. As the precise location of this event is unknown, it may be in tandem or it may be located elsewhere in the genome. This variant has not been reported in the literature in individuals affected with RBM8A-related conditions. In summary, the available evidence is currently insufficient to determine the role of this variant in disease. Therefore, it has been classified as a Variant of Uncertain Significance.

Labcorp Genetics (formerly Invitae), Labcorp
Classification: Uncertain significance. Last evaluated: 2021-11-28. Review status: flagged submission. Criteria: Invitae Variant Classification Sherloc (09022015). Collection method: clinical testing. Allele origin: germline. Not counted in ClinVar's aggregate classification.
Comment: A copy number gain of the genomic region encompassing the full coding sequence of the PEX11B gene has been identified. The boundaries of this event are unknown as they extend beyond the assayed region for this gene and therefore may encompass additional genes. As the precise location of this event is unknown, it may be in tandem or it may be located elsewhere in the genome. This variant has not been reported in the literature in individuals affected with PEX11B-related conditions. In summary, the available evidence is currently insufficient to determine the role of this variant in disease. Therefore, it has been classified as a Variant of Uncertain Significance.
ClinVar note: Reason: This record appears to be redundant with a more recent record from the same submitter.
ClinVar note: Notes: SCV001570846 appears to be redundant with SCV003794751.

NC_000001.10:g.(?_145414782)_(145610584_?)dup

Genes: ANKRD34A (ankyrin repeat domain 34A; minus strand), ANKRD35 (ankyrin repeat domain 35; minus strand), HJV (hemojuvelin BMP co-receptor; minus strand), ITGA10 (integrin subunit alpha 10; minus strand), LIX1L (limb and CNS expressed 1 like; minus strand) and 7 more. Cytogenetic location: 1q21.1.
Variant type: Duplication.
Identifiers: ClinVar variation 1064148 (VCV001064148.6).